The following is an entry in ClinVar:

NM_183357.3(ADCY5):c.1384A>T (p.Ile462Phe)

Gene: ADCY5 (adenylate cyclase 5; minus strand). Cytogenetic location: 3q21.1.
Variant type: single nucleotide variant.
Coding change: c.1384A>T on transcript NM_183357.3 (MANE Select); coding-DNA position 1384, A replaced by T.
Protein change: p.Ile462Phe; replaces isoleucine 462 with phenylalanine.
Molecular consequence: missense variant.
Genome position (GRCh38, 1-based): chr3:123,347,804, T>A on the plus strand (A>T on the coding strand, the complement: ADCY5 is on the minus strand). VCF-style: chr3-123347804-T-A. GRCh37 (hg19) VCF-style: chr3-123066651-T-A.
Other names: c.334A>T, p.Ile112Phe (NM_001199642.1); c.1384A>T, p.Ile462Phe (NM_001378259.1); short protein forms I462F, I112F.
Identifiers: ClinVar variation 387358 (VCV000387358.2), dbSNP rs1057522766, ClinGen allele CA16604440.
Genomic context (GRCh38, chr3:123,347,804, plus strand): 5'-CCCTCCCTTCCATCCTCCTCCCCCAGCTTCACCCCTACCTCACGTTGTCATGTTTCTGGA[T>A]GTAAATCTTATGGAACATCATATCCTCCTGCTTGGCGTTGATGTCTGCTTTCATCTCCAT-3'
Protein context (NP_899200.1, residues 452-472): QEDMMFHKIY[Ile462Phe]QKHDNVSILF

ClinVar aggregate classification (germline): Uncertain significance (1 of 4 stars; one submission).

Submission:

GeneDx
Classification: Uncertain significance. Last evaluated: 2016-07-05. Review status: criteria provided, single submitter. Criteria: GeneDx Variant Classification (06012015). Collection method: clinical testing. Allele origin: germline. Affected: yes.
Comment: The I462F variant in the ADCY5 gene has not been reported previously as a pathogenic variant, nor as a benign variant, to our knowledge. This variant was not observed in approximately 6500 individuals of European and African American ancestry in the NHLBI Exome Sequencing Project, indicating it is not a common benign variant in these populations. The I462F variant is a conservative amino acid substitution, which is not likely to impact secondary protein structure as these residues share similar properties. However, this substitution occurs at a position that is conserved across species, and in silico analysis predicts this variant is probably damaging to the protein structure/function. We interpret I462F as a variant of uncertain significance.